The following is an entry in ClinVar:

NM_001184.4(ATR):c.2867A>G (p.Asn956Ser)

Gene: ATR (ATR checkpoint kinase; minus strand). Cytogenetic location: 3q23.
Variant type: single nucleotide variant.
Coding change: c.2867A>G on transcript NM_001184.4 (MANE Select); coding-DNA position 2867, A replaced by G.
Protein change: p.Asn956Ser; replaces asparagine 956 with serine.
Molecular consequence: missense variant.
Genome position (GRCh38, 1-based): chr3:142,550,241, T>C on the plus strand (A>G on the coding strand, the complement: ATR is on the minus strand). VCF-style: chr3-142550241-T-C. GRCh37 (hg19) VCF-style: chr3-142269083-T-C.
Other names: c.2675A>G, p.Asn892Ser (NM_001354579.2); short protein forms N892S, N956S.
Identifiers: ClinVar variation 2453534 (VCV002453534.2), dbSNP rs2473367350, ClinGen allele CA354813098.

ClinVar aggregate classification (germline): Uncertain significance (1 of 4 stars; one submission).

Conditions:
Inborn genetic diseases. Identifiers: MedGen C0950123, MeSH D030342.

Submission:

Ambry Genetics
Classification: Uncertain significance for Inborn genetic diseases. Last evaluated: 2022-11-25. Review status: criteria provided, single submitter. Criteria: Ambry Variant Classification Scheme 2023. Collection method: clinical testing. Allele origin: germline.
Comment: The p.N956S variant (also known as c.2867A>G), located in coding exon 14 of the ATR gene, results from an A to G substitution at nucleotide position 2867. The asparagine at codon 956 is replaced by serine, an amino acid with highly similar properties. This amino acid position is conserved. In addition, this alteration is predicted to be tolerated by in silico analysis. Since supporting evidence is limited at this time, the clinical significance of this alteration remains unclear.